The following is an entry in ClinVar:

ClinVar aggregate classification (germline): Pathogenic. Review status: criteria provided, multiple submitters, no conflicts (2 of 4 stars). 4 submissions from 4 submitters: Pathogenic (3). 1 of the submissions does not count toward it. Last evaluated 2025-08-24.

Conditions:
Birt-Hogg-Dube syndrome. Also called: Birt Hogg Dubé syndrome. Identifiers: Orphanet 122, MedGen C0346010, MONDO:0800444.
Hereditary cancer-predisposing syndrome. Also called: Neoplastic Syndromes, Hereditary; Hereditary Cancer Syndrome; Hereditary neoplastic syndrome; Tumor predisposition. Identifiers: Orphanet 140162, MedGen C0027672, MeSH D009386, MONDO:0015356.

Submissions (4):

Labcorp Genetics (formerly Invitae), Labcorp
Classification: Pathogenic for Birt-Hogg-Dube syndrome. Last evaluated: 2025-08-24. Review status: criteria provided, single submitter. Criteria: Invitae Variant Classification Sherloc (09022015). Collection method: clinical testing. Allele origin: germline.
Comment: This sequence change creates a premature translational stop signal (p.Glu297Lysfs*6) in the FLCN gene. It is expected to result in an absent or disrupted protein product. Loss-of-function variants in FLCN are known to be pathogenic (PMID: 15852235). This variant is not present in population databases (gnomAD no frequency). This premature translational stop signal has been observed in individual(s) with Birt-Hogg-Dubé syndrome (PMID: 24393238, 29357828). ClinVar contains an entry for this variant (Variation ID: 643432). For these reasons, this variant has been classified as Pathogenic.

Ambry Genetics
Classification: Pathogenic for Hereditary cancer-predisposing syndrome. Last evaluated: 2025-06-23. Review status: criteria provided, single submitter. Criteria: Ambry Variant Classification Scheme 2023. Collection method: clinical testing. Allele origin: germline.
Comment: The c.889_890delGA pathogenic mutation, located in coding exon 6 of the FLCN gene, results from a deletion of two nucleotides at nucleotide positions 889 to 890, causing a translational frameshift with a predicted alternate stop codon (p.E297Kfs*6). This variant is considered to be rare based on population cohorts in the Genome Aggregation Database (gnomAD). This alteration is expected to result in loss of function by premature protein truncation or nonsense-mediated mRNA decay. As such, this alteration is interpreted as a disease-causing mutation.

Clinical Genetics and Genomics, Karolinska University Hospital
Classification: Pathogenic. Last evaluated: 2019-02-11. Review status: criteria provided, single submitter. Criteria: ACMG Guidelines, 2015. Collection method: clinical testing. Allele origin: germline. Affected: yes. Observed: 1 variant allele.

Division of Respiratory Medicine of Juntendo University, Juntendo University Faculty of Medicine and Graduate School of Medicine
Classification: Pathogenic for Birt-Hogg-Dube syndrome 1. Last evaluated: 2023-07-01. Review status: no assertion criteria provided. Collection method: clinical testing. Allele origin: germline. Affected: yes. Not counted in ClinVar's aggregate classification.

Literature cited by the submitters: PubMed 15852235 (cited by Labcorp Genetics (formerly Invitae), Labcorp); PubMed 24393238 (cited by Labcorp Genetics (formerly Invitae), Labcorp and Ambry Genetics); PubMed 29357828 (cited by Labcorp Genetics (formerly Invitae), Labcorp).

NM_144997.7(FLCN):c.889_890del (p.Glu297fs)

Gene: FLCN (folliculin; minus strand). Cytogenetic location: 17p11.2.
Variant type: Deletion.
Coding change: c.889_890del on transcript NM_144997.7 (MANE Select); coding-DNA positions 889 to 890, 2 bases deleted (GA; older notation c.889_890delGA).
Protein change: p.Glu297fs; shifts the reading frame from glutamic acid 297.
Molecular consequence: frameshift variant.
Genome position (GRCh38, 1-based): chr17:17,219,191-17,219,192, TC deleted on the plus strand (GA on the coding strand, the reverse complement: FLCN is on the minus strand); deleting any 2 consecutive bases within chr17:17,219,191-17,219,193 gives the same sequence; the c. name uses the placement nearest the transcript's 3' end. VCF-style (leftmost placement, unchanged base first): chr17-17219190-TTC-T. GRCh37 (hg19) VCF-style: chr17-17122504-TTC-T.
Other names: c.889_890del (LRG_325t1); c.943_944del, p.Glu315fs (NM_001353229.2); c.889_890del, p.Glu297fs (NM_001353230.2, NM_001353231.2); short protein forms E297fs, E315fs.
Identifiers: ClinVar variation 643432 (VCV000643432.11), dbSNP rs1597592246, ClinGen allele CA915949603.